The following is an entry in ClinVar:

ClinVar aggregate classification (germline): Uncertain significance (1 of 4 stars; one submission).

Conditions:
Inborn genetic diseases. Identifiers: MedGen C0950123, MeSH D030342.

Submission:

Ambry Genetics
Classification: Uncertain significance for Inborn genetic diseases. Last evaluated: 2025-07-14. Review status: criteria provided, single submitter. Criteria: Ambry Variant Classification Scheme 2023. Collection method: clinical testing. Allele origin: germline.
Comment: The p.P40T variant (also known as c.118C>A), located in coding exon 2 of the CEP57 gene, results from a C to A substitution at nucleotide position 118. The proline at codon 40 is replaced by threonine, an amino acid with highly similar properties. This amino acid position is conserved. In addition, the in silico prediction for this alteration is inconclusive. Based on the available evidence, the clinical significance of this variant remains unclear.

NM_014679.5(CEP57):c.118C>A (p.Pro40Thr)

Gene: CEP57 (centrosomal protein 57; plus strand). Cytogenetic location: 11q21.
Variant type: single nucleotide variant.
Coding change: c.118C>A on transcript NM_014679.5 (MANE Select); coding-DNA position 118, C replaced by A.
Protein change: p.Pro40Thr; replaces proline 40 with threonine.
Molecular consequence: missense variant.
Genome position (GRCh38, 1-based): chr11:95,799,304, C>A. VCF-style: chr11-95799304-C-A. GRCh37 (hg19) VCF-style: chr11-95532468-C-A.
Other names: c.91C>A, p.Pro31Thr (NM_001243776.2); c.118C>A, p.Pro40Thr (NM_001243777.2, NM_001440871.1, NM_001440872.1 and 6 more transcripts); c.37C>A, p.Pro13Thr (NM_001363604.2, NM_001440869.1, NM_001440870.1 and 4 more transcripts); short protein forms P40T, P13T, P31T.
Identifiers: ClinVar variation 4226351 (VCV004226351.1).